The following is an entry in ClinVar:

NM_015267.4(CUX2):c.2637C>T (p.Thr879=)

Gene: CUX2 (cut like homeobox 2; plus strand). Cytogenetic location: 12q24.12.
Variant type: single nucleotide variant.
Coding change: c.2637C>T on transcript NM_015267.4 (MANE Select); coding-DNA position 2637, C replaced by T.
Protein change: p.Thr879=; no amino-acid change (threonine 879 retained).
Molecular consequence: synonymous variant.
Genome position (GRCh38, 1-based): chr12:111,320,646, C>T. VCF-style: chr12-111320646-C-T. GRCh37 (hg19) VCF-style: chr12-111758450-C-T.
Other names: c.2451C>T, p.Thr817= (NM_001370598.1).
Identifiers: ClinVar variation 2643303 (VCV002643303.24), dbSNP rs371020289, ClinGen allele CA6788921.
Genomic context (GRCh38, chr12:111,320,646, plus strand): 5'-CGAGGCGGGCGCGCGGCTGCCCTACTACCCGGCCTACGTGCCGCGCACCCTGAAGCCCAC[C>T]GTGCCGCCGCTGACCCCCGAGCAGTACGAGCTGTACATGTACCGTGAGGTAGACACGCTG-3'
Protein context (NP_056082.2, residues 869-889): PAYVPRTLKP[Thr879=]VPPLTPEQYE

ClinVar aggregate classification (germline): Likely benign (1 of 4 stars; one submission).

Allele frequency attached by ClinVar (database versions not stated): gnomAD exomes 0.00001; ExAC 0.00002; gnomAD 0.00007; TOPMed 0.00009; ESP Exome Variant Server 0.00016.
gnomAD v4.1: 30 of 1,595,992 alleles (0.0019%); highest among the groups gnomAD compares: African/African-American, 0.025%; no homozygotes.

Submission:

CeGaT Center for Human Genetics Tuebingen
Classification: Likely benign. Last evaluated: 2022-03-01. Review status: criteria provided, single submitter. Criteria: CeGaT Center For Human Genetics Tuebingen Variant Classification Criteria Version 2. Collection method: clinical testing. Allele origin: germline. Affected: yes. Observed: 1 variant allele.
Comment: CUX2: BP4, BP7